The following is an entry in ClinVar:

NM_000352.6(ABCC8):c.4591A>G (p.Thr1531Ala)

Gene: ABCC8 (ATP binding cassette subfamily C member 8; minus strand). Cytogenetic location: 11p15.1.
Variant type: single nucleotide variant.
Coding change: c.4591A>G on transcript NM_000352.6 (MANE Select); coding-DNA position 4591, A replaced by G.
Protein change: p.Thr1531Ala; replaces threonine 1531 with alanine.
Molecular consequence: missense variant. On other transcripts: non-coding transcript variant (1).
Genome position (GRCh38, 1-based): chr11:17,393,714, T>C on the plus strand (A>G on the coding strand, the complement: ABCC8 is on the minus strand). VCF-style: chr11-17393714-T-C. GRCh37 (hg19) VCF-style: chr11-17415261-T-C.
Other names: c.4594A>G, p.Thr1532Ala (NM_001287174.3); c.4657A>G, p.Thr1553Ala (NM_001351295.2); c.4591A>G, p.Thr1531Ala (NM_001351296.2); c.4588A>G, p.Thr1530Ala (NM_001351297.2); short protein forms T1530A, T1531A, T1532A, T1553A.
Identifiers: ClinVar variation 1338651 (VCV001338651.6), dbSNP rs796891223, ClinGen allele CA379781929.

ClinVar aggregate classification (germline): Uncertain significance. Review status: criteria provided, multiple submitters, no conflicts (2 of 4 stars). 3 submissions from 3 submitters: Uncertain significance (2). 1 of the submissions does not count toward it. Last evaluated 2025-02-19.

Conditions:
Hereditary hyperinsulinism.

Allele frequency attached by ClinVar (database versions not stated): gnomAD exomes below 0.00001.
gnomAD v4.1: 3 of 1,614,218 alleles (0.00019%); highest among the groups gnomAD compares: Non-Finnish European, 0.00025%; no homozygotes.

Submissions (3):

Women's Health and Genetics/Laboratory Corporation of America, LabCorp
Classification: Uncertain significance. Last evaluated: 2025-02-19. Review status: criteria provided, single submitter. Criteria: LabCorp Variant Classification Summary - May 2015. Collection method: clinical testing. Allele origin: germline.
Comment: Variant summary: ABCC8 c.4591A>G (p.Thr1531Ala) results in a non-conservative amino acid change located in the ABC transporter-type domain (IPR003439) of the encoded protein sequence. Five of five in-silico tools predict a damaging effect of the variant on protein function. The variant was absent in 251358 control chromosomes. c.4591A>G has been reported in the literature along with different second pathogenic variants in two individuals affected with Hyperinsulinism (Ellard_2013, Kapoor_2013, Sandal_2009). These data indicate that the variant may be associated with disease. To our knowledge, no experimental evidence demonstrating an impact on protein function has been reported. The following publications have been ascertained in the context of this evaluation (PMID: 23771172, 23345197, 19475716). ClinVar contains an entry for this variant (Variation ID: 1338651). Based on the evidence outlined above, the variant was classified as VUS-possibly pathogenic.

Genetic Services Laboratory, University of Chicago
Classification: Uncertain significance. Last evaluated: 2021-07-28. Review status: criteria provided, single submitter. Criteria: ACMG Guidelines, 2015. Collection method: clinical testing. Allele origin: germline. Affected: no.
Comment: DNA sequence analysis of the ABCC8 gene demonstrated a sequence change, c.4591A>G, in exon 38 that results in an amino acid change, p.Thr1531Ala. This sequence change has not been described in population database including gnomAD. The p.Thr1531Ala change affects a highly conserved amino acid residue located in a domain of the ABCC8 protein that is known to be functional. In-silico pathogenicity prediction tools (SIFT, PolyPhen2, Align GVGD, REVEL) provide contradictory results for the p.Thr1531Ala substitution. This sequence change has previously been reported in the compound heterozygous state with another ABCC8 variant in an individual with congenital hyperinsulinism (PMID: 19475716). Due to insufficient evidences and the lack of functional studies, the clinical significance of the p.Thr1531Ala change remains unknown at this time.

Natera, Inc.
Classification: Likely pathogenic for Hereditary hyperinsulinism. Last evaluated: 2025-05-13. Review status: no assertion criteria provided. Collection method: clinical testing. Allele origin: germline. Not counted in ClinVar's aggregate classification.

Literature cited by the submitters: PubMed 19475716 (cited by Women's Health and Genetics/Laboratory Corporation of America, LabCorp); PubMed 23345197 (cited by Women's Health and Genetics/Laboratory Corporation of America, LabCorp); PubMed 23771172 (cited by Women's Health and Genetics/Laboratory Corporation of America, LabCorp).